The following is an entry in ClinVar:

ClinVar aggregate classification (germline): Likely benign. Review status: criteria provided, multiple submitters, no conflicts (2 of 4 stars). 3 submissions from 3 submitters: Likely benign (3). Last evaluated 2025-03-31.

Conditions:
Cardiovascular phenotype. Identifiers: MedGen CN230736.
Noonan syndrome 9 (NS9). Identifiers: Orphanet 648, MedGen C4225282, MONDO:0014691, OMIM 616559.

gnomAD v4.1: 2 of 1,197,530 alleles (0.00017%); highest among the groups gnomAD compares: South Asian, 0.0014%; no homozygotes.

Submissions (3):

Ambry Genetics
Classification: Likely benign for Cardiovascular phenotype. Last evaluated: 2025-03-31. Review status: criteria provided, single submitter. Criteria: Ambry Variant Classification Scheme 2023. Collection method: clinical testing. Allele origin: germline.

Labcorp Genetics (formerly Invitae), Labcorp
Classification: Likely benign for Noonan syndrome 9. Last evaluated: 2024-11-05. Review status: criteria provided, single submitter. Criteria: Invitae Variant Classification Sherloc (09022015). Collection method: clinical testing. Allele origin: germline.

CeGaT Center for Human Genetics Tuebingen
Classification: Likely benign. Last evaluated: 2022-03-01. Review status: criteria provided, single submitter. Criteria: CeGaT Center For Human Genetics Tuebingen Variant Classification Criteria Version 2. Collection method: clinical testing. Allele origin: germline. Affected: yes. Observed: 1 variant allele.
Comment: SOS2: PM2:Supporting, BP4, BP7

NM_006939.4(SOS2):c.2832T>C (p.Asp944=)

Gene: SOS2 (SOS Ras/Rho guanine nucleotide exchange factor 2; minus strand). Cytogenetic location: 14q21.3.
Variant type: single nucleotide variant.
Coding change: c.2832T>C on transcript NM_006939.4 (MANE Select); coding-DNA position 2832, T replaced by C.
Protein change: p.Asp944=; no amino-acid change (aspartic acid 944 retained).
Molecular consequence: synonymous variant.
Genome position (GRCh38, 1-based): chr14:50,138,738, A>G on the plus strand (T>C on the coding strand, the complement: SOS2 is on the minus strand). VCF-style: chr14-50138738-A-G. GRCh37 (hg19) VCF-style: chr14-50605456-A-G.
Other names: c.2832T>C (NM_006939.2); c.2733T>C, p.Asp911= (NM_001411020.1).
Identifiers: ClinVar variation 2644223 (VCV002644223.25), dbSNP rs2502878370, ClinGen allele CA486174419.